The following is an entry in ClinVar:

ClinVar aggregate classification (germline): Likely pathogenic. Review status: criteria provided, multiple submitters, no conflicts (2 of 4 stars). 2 submissions from 2 submitters: Likely pathogenic (2). Last evaluated 2026-01-17.

Conditions:
Primary ciliary dyskinesia. Also called: Ciliary dyskinesia. Identifiers: Orphanet 244, MedGen C0008780, MONDO:0016575, HP:0012265.

Allele frequency attached by ClinVar (database versions not stated): gnomAD exomes below 0.00001; ExAC 0.00001.
gnomAD v4.1: 1 of 1,613,990 alleles (0.000062%); highest among the groups gnomAD compares: Admixed American, 0.0017%; no homozygotes.

Submissions (2):

Labcorp Genetics (formerly Invitae), Labcorp
Classification: Likely pathogenic for Primary ciliary dyskinesia. Last evaluated: 2026-01-17. Review status: criteria provided, single submitter. Criteria: Invitae Variant Classification Sherloc (09022015). Collection method: clinical testing. Allele origin: germline.
Comment: This sequence change affects an acceptor splice site in intron 18 of the DNAH5 gene. It is expected to disrupt RNA splicing. Variants that disrupt the donor or acceptor splice site typically lead to a loss of protein function (PMID: 16199547), and loss-of-function variants in DNAH5 are known to be pathogenic (PMID: 11788826, 16627867). This variant is present in population databases (rs780757700, gnomAD 0.003%). This variant has not been reported in the literature in individuals affected with DNAH5-related conditions. ClinVar contains an entry for this variant (Variation ID: 2885732). Algorithms developed to predict the effect of sequence changes on RNA splicing suggest that this variant may disrupt the consensus splice site. In summary, the currently available evidence indicates that the variant is pathogenic, but additional data are needed to prove that conclusively. Therefore, this variant has been classified as Likely Pathogenic.

Natera, Inc.
Classification: Likely pathogenic for Primary ciliary dyskinesia. Last evaluated: 2025-10-06. Review status: criteria provided, single submitter. Criteria: Natera Variant Classification Schema (03/2026). Collection method: clinical testing. Allele origin: germline.
Comment: The c.2744-2A>T variant in DNAH5 is a canonical splice acceptor site variant predicted to affect pre-mRNA splicing, which may result in an abnormal transcript and altered protein product. This variant may result in a truncated or dysfunctional protein product. This variant is rare in the general population with a frequency below the threshold expected for the associated phenotype(s). Another variant at this same site results in an alteration predicted to cause a similar molecular effect has been observed in individual(s) with the associated phenotype. Given the available evidence, this variant is classified as Likely Pathogenic.

Literature cited by the submitters: PubMed 16199547 (cited by Labcorp Genetics (formerly Invitae), Labcorp); PubMed 11788826 (cited by Labcorp Genetics (formerly Invitae), Labcorp); PubMed 16627867 (cited by Labcorp Genetics (formerly Invitae), Labcorp).

NM_001369.3(DNAH5):c.2744-2A>T

Genes: DNAH5 (dynein axonemal heavy chain 5; minus strand), DNAH5-AS1 (DNAH5 antisense RNA 1; plus strand). Cytogenetic location: 5p15.2.
Variant type: single nucleotide variant.
Coding change: c.2744-2A>T on transcript NM_001369.3 (MANE Select); the canonical splice acceptor site of the intron before coding-DNA position 2744, A replaced by T.
Molecular consequence: splice acceptor variant.
Genome position (GRCh38, 1-based): chr5:13,885,230, T>A on the plus strand (A>T on the coding strand, the complement: DNAH5 is on the minus strand). VCF-style: chr5-13885230-T-A. GRCh37 (hg19) VCF-style: chr5-13885339-T-A.
Other names: c.2744-2A>T (NM_001369.2).
Identifiers: ClinVar variation 2885732 (VCV002885732.4), dbSNP rs780757700, ClinGen allele CA3204489.